The following is an entry in ClinVar:

NM_003072.5(SMARCA4):c.327G>A (p.Pro109=)

Gene: SMARCA4 (SWI/SNF related BAF chromatin remodeling complex subunit ATPase 4; plus strand). Cytogenetic location: 19p13.2.
Variant type: single nucleotide variant.
Coding change: c.327G>A on transcript NM_003072.5 (MANE Select); coding-DNA position 327, G replaced by A.
Protein change: p.Pro109=; no amino-acid change (proline 109 retained).
Molecular consequence: synonymous variant. On other transcripts: non-coding transcript variant (1).
Genome position (GRCh38, 1-based): chr19:10,985,377, G>A. VCF-style: chr19-10985377-G-A. GRCh37 (hg19) VCF-style: chr19-11096053-G-A.
Other names: c.327G>A, p.Pro109= (NM_001128844.3, NM_001128845.2, NM_001128846.2 and 5 more transcripts).
Identifiers: ClinVar variation 415169 (VCV000415169.19), dbSNP rs1021947977, ClinGen allele CA16615876.

ClinVar aggregate classification (germline): Benign/Likely benign. Review status: criteria provided, multiple submitters, no conflicts (2 of 4 stars). 5 submissions from 5 submitters: Benign (1); Likely benign (4). Last evaluated 2026-07-08.

Conditions:
SMARCA4-related disorder. Also called: SMARCA4-related condition.
Hereditary cancer-predisposing syndrome. Also called: Hereditary Cancer Syndrome; Hereditary neoplastic syndrome; Neoplastic Syndromes, Hereditary; Tumor predisposition. Identifiers: Orphanet 140162, MedGen C0027672, MeSH D009386, MONDO:0015356.
Rhabdoid tumor predisposition syndrome 2 (RTPS2). Identifiers: Orphanet 231108, Orphanet 69077, MedGen C2750074, MONDO:0013224, OMIM 613325.

Allele frequency attached by ClinVar (database versions not stated): gnomAD 0.00001; TOPMed 0.00001; gnomAD exomes 0.00001.
gnomAD v4.1: 12 of 1,613,808 alleles (0.00074%); highest among the groups gnomAD compares: Admixed American, 0.0017%; no homozygotes.

Submissions (5):

Myriad Genetics, Inc.
Classification: Benign for Rhabdoid tumor predisposition syndrome 2. Last evaluated: 2026-07-08. Review status: criteria provided, single submitter. Criteria: Myriad Autosomal Dominant, Autosomal Recessive and X-Linked Classification Criteria (2023). Collection method: clinical testing. Allele origin: unknown.
Comment: This variant is considered benign. This variant is a silent/synonymous amino acid change and it is not expected to impact splicing.

Labcorp Genetics (formerly Invitae), Labcorp
Classification: Likely benign for Rhabdoid tumor predisposition syndrome 2. Last evaluated: 2025-12-22. Review status: criteria provided, single submitter. Criteria: Invitae Variant Classification Sherloc (09022015). Collection method: clinical testing. Allele origin: germline.

PreventionGenetics, part of Exact Sciences
Classification: Likely benign for SMARCA4-related condition. Last evaluated: 2025-08-19. Review status: criteria provided, single submitter. Criteria: ACMG Guidelines, 2015. Collection method: clinical testing. Allele origin: germline.
Comment: This variant is classified as likely benign based on ACMG/AMP sequence variant interpretation guidelines (Richards et al. 2015 PMID: 25741868, with internal and published modifications).

Sema4
Classification: Likely benign for Hereditary cancer-predisposing syndrome. Last evaluated: 2021-10-18. Review status: criteria provided, single submitter. Criteria: Sema4 Curation Guidelines. Collection method: curation. Allele origin: germline.

Ambry Genetics
Classification: Likely benign for Hereditary cancer-predisposing syndrome. Last evaluated: 2017-11-30. Review status: criteria provided, single submitter. Criteria: Ambry Variant Classification Scheme 2023. Collection method: clinical testing. Allele origin: germline.